The following is an entry in ClinVar:

NM_000312.4(PROC):c.604G>T (p.Glu202Ter)

Gene: PROC (protein C, inactivator of coagulation factors Va and VIIIa; plus strand). Cytogenetic location: 2q14.3.
Variant type: single nucleotide variant.
Coding change: c.604G>T on transcript NM_000312.4 (MANE Select); coding-DNA position 604, G replaced by T.
Protein change: p.Glu202Ter; replaces glutamic acid 202 with a stop codon.
Molecular consequence: nonsense.
Genome position (GRCh38, 1-based): chr2:127,426,153, G>T. VCF-style: chr2-127426153-G-T. GRCh37 (hg19) VCF-style: chr2-128183729-G-T.
Other names: p.Glu202*; c.787G>T, p.Glu263Ter (NM_001375602.1); c.769G>T, p.Glu257Ter (NM_001375603.1); c.667G>T, p.Glu223Ter (NM_001375604.1); c.706G>T, p.Glu236Ter (NM_001375605.1); c.772G>T, p.Glu258Ter (NM_001375606.1); c.790G>T, p.Glu264Ter (NM_001375607.1); c.547G>T, p.Glu183Ter (NM_001375608.1); and 3 more; short protein forms E200*, E258*, E202*, E236*, E264*, E194*, E257*, E263*.
Identifiers: ClinVar variation 4540671 (VCV004540671.2).

ClinVar aggregate classification (germline): Pathogenic/Likely pathogenic. Review status: criteria provided, multiple submitters, no conflicts (2 of 4 stars). 2 submissions from 2 submitters: Pathogenic (1); Likely pathogenic (1). Last evaluated 2025-04-30.

Conditions:
Thrombophilia due to protein C deficiency, autosomal dominant. Also called: PROC DEFICIENCY, AUTOSOMAL DOMINANT; PROTEIN C DEFICIENCY, AUTOSOMAL DOMINANT. Identifiers: Orphanet 745, MedGen C2674321, MONDO:0008316, OMIM 176860. Disease mechanism: loss of function.

gnomAD v4.1: 1 of 1,614,158 alleles (0.000062%); highest among the groups gnomAD compares: Non-Finnish European, 0.000085%; no homozygotes.

Submissions (2):

Labcorp Genetics (formerly Invitae), Labcorp
Classification: Pathogenic for Thrombophilia due to protein C deficiency, autosomal dominant. Last evaluated: 2025-04-30. Review status: criteria provided, single submitter. Criteria: Invitae Variant Classification Sherloc (09022015). Collection method: clinical testing. Allele origin: germline.
Comment: This sequence change creates a premature translational stop signal (p.Glu202*) in the PROC gene. It is expected to result in an absent or disrupted protein product. Loss-of-function variants in PROC are known to be pathogenic (PMID: 17152060). This variant is not present in population databases (gnomAD no frequency). This variant has not been reported in the literature in individuals affected with PROC-related conditions. Algorithms developed to predict the effect of sequence changes on RNA splicing suggest that this variant may disrupt the consensus splice site. For these reasons, this variant has been classified as Pathogenic.

Mayo Clinic Laboratories, Mayo Clinic
Classification: Likely pathogenic. Last evaluated: 2024-12-31. Review status: criteria provided, single submitter. Criteria: ACMG Guidelines, 2015. Collection method: clinical testing. Allele origin: germline. Observed: 1 variant allele.
Comment: PM2_supporting, PVS1

Literature cited by the submitters: PubMed 17152060 (cited by Labcorp Genetics (formerly Invitae), Labcorp).